The following is an entry in ClinVar:

ClinVar aggregate classification (germline): Uncertain significance (1 of 4 stars; one submission).

Conditions:
Carnitine palmitoyltransferase II deficiency. Also called: Carnitine Palmitoyltransferase 2 Deficiency. Identifiers: Orphanet 157, MedGen C0342790, MONDO:0015515.

Allele frequency attached by ClinVar (database versions not stated): gnomAD exomes below 0.00001.
gnomAD v4.1: 2 of 1,612,378 alleles (0.00012%); highest among the groups gnomAD compares: Non-Finnish European, 0.00017%; no homozygotes.

Submission:

Labcorp Genetics (formerly Invitae), Labcorp
Classification: Uncertain significance for Carnitine palmitoyltransferase II deficiency. Last evaluated: 2022-04-06. Review status: criteria provided, single submitter. Criteria: Invitae Variant Classification Sherloc (09022015). Collection method: clinical testing. Allele origin: germline.
Comment: This sequence change replaces proline, which is neutral and non-polar, with arginine, which is basic and polar, at codon 115 of the CPT2 protein (p.Pro115Arg). In summary, the available evidence is currently insufficient to determine the role of this variant in disease. Therefore, it has been classified as a Variant of Uncertain Significance. Advanced modeling of protein sequence and biophysical properties (such as structural, functional, and spatial information, amino acid conservation, physicochemical variation, residue mobility, and thermodynamic stability) performed at Invitae indicates that this missense variant is not expected to disrupt CPT2 protein function. This variant has not been reported in the literature in individuals affected with CPT2-related conditions. This variant is not present in population databases (gnomAD no frequency).

NM_000098.3(CPT2):c.344C>G (p.Pro115Arg)

Gene: CPT2 (carnitine palmitoyltransferase 2; plus strand). Cytogenetic location: 1p32.3.
Variant type: single nucleotide variant.
Coding change: c.344C>G on transcript NM_000098.3 (MANE Select); coding-DNA position 344, C replaced by G.
Protein change: p.Pro115Arg; replaces proline 115 with arginine.
Molecular consequence: missense variant.
Genome position (GRCh38, 1-based): chr1:53,210,018, C>G. VCF-style: chr1-53210018-C-G. GRCh37 (hg19) VCF-style: chr1-53675690-C-G.
Other names: c.344C>G, p.Pro115Arg (NM_001330589.2); short protein forms P115R.
Identifiers: ClinVar variation 1900716 (VCV001900716.5), dbSNP rs2525585852, ClinGen allele CA340391729.